The following is an entry in ClinVar:

NM_001129.5(AEBP1):c.2174dup (p.Asn725fs)

Gene: AEBP1 (AE binding protein 1; plus strand). Cytogenetic location: 7p13.
Variant type: Duplication.
Coding change: c.2174dup on transcript NM_001129.5 (MANE Select); coding-DNA position 2174, one base duplicated (A; older notation c.2174dupA).
Protein change: p.Asn725fs; shifts the reading frame from asparagine 725.
Molecular consequence: frameshift variant.
Genome position (GRCh38, 1-based): chr7:44,112,278, A duplicated; the last of 2 consecutive A bases (chr7:44,112,277-44,112,278); duplicating either gives the same sequence. VCF-style (leftmost placement, unchanged base first): chr7-44112276-C-CA. GRCh37 (hg19) VCF-style: chr7-44151875-C-CA.
Other names: short protein forms N725fs.
Identifiers: ClinVar variation 3706022 (VCV003706022.2).

ClinVar aggregate classification (germline): Pathogenic (1 of 4 stars; one submission).

Submission:

Labcorp Genetics (formerly Invitae), Labcorp
Classification: Pathogenic. Last evaluated: 2025-03-04. Review status: criteria provided, single submitter. Criteria: Invitae Variant Classification Sherloc (09022015). Collection method: clinical testing. Allele origin: germline.
Comment: This sequence change creates a premature translational stop signal (p.Asn725Lysfs*2) in the AEBP1 gene. It is expected to result in an absent or disrupted protein product. Loss-of-function variants in AEBP1 are known to be pathogenic (PMID: 29606302). This variant is not present in population databases (gnomAD no frequency). This variant has not been reported in the literature in individuals affected with AEBP1-related conditions. For these reasons, this variant has been classified as Pathogenic.

Literature cited by the submitters: PubMed 29606302.